The following is an entry in ClinVar:

ClinVar aggregate classification (germline): Pathogenic (1 of 4 stars; one submission).

Submission:

Labcorp Genetics (formerly Invitae), Labcorp
Classification: Pathogenic. Last evaluated: 2021-07-12. Review status: criteria provided, single submitter. Criteria: Invitae Variant Classification Sherloc (09022015). Collection method: clinical testing. Allele origin: germline.
Comment: For these reasons, this variant has been classified as Pathogenic. This variant has not been reported in the literature in individuals affected with RUNX2-related conditions. This variant is a gross deletion of the genomic region encompassing exon(s) 4 of the RUNX2 gene. This deletion is out-of-frame, and is expected to create a premature translational stop signal and result in an absent or disrupted protein product. Loss-of-function variants in RUNX2 are known to be pathogenic (PMID: 10521292, 11857736).

Literature cited by the submitters: PubMed 10521292; PubMed 11857736.

NC_000006.11:g.(?_45399580)_(45399776_?)del

Gene: RUNX2 (RUNX family transcription factor 2; plus strand). Cytogenetic location: 6p21.1.
Variant type: Deletion.
Identifiers: ClinVar variation 1351557 (VCV001351557.4).